The following is an entry in ClinVar:

ClinVar aggregate classification (germline): Uncertain significance. Review status: criteria provided, multiple submitters, no conflicts (2 of 4 stars). 4 submissions from 4 submitters: Uncertain significance (3). 1 of the submissions does not count toward it. Last evaluated 2025-08-02.

Conditions:
Inborn genetic diseases. Identifiers: MedGen C0950123, MeSH D030342.
Retinitis pigmentosa 26 (RP26). Identifiers: Orphanet 791, MedGen C1842127, MONDO:0012024, OMIM 608380.

Allele frequency attached by ClinVar (database versions not stated): gnomAD exomes 0.00004; ExAC 0.00005; gnomAD 0.00012; TOPMed 0.00019; 1000 Genomes Project 0.00040; 1000 Genomes Project 30x 0.00047.

Submissions (4):

Ambry Genetics
Classification: Uncertain significance for Inborn genetic diseases. Last evaluated: 2025-08-02. Review status: criteria provided, single submitter. Criteria: Ambry Variant Classification Scheme 2023. Collection method: clinical testing. Allele origin: germline.

Labcorp Genetics (formerly Invitae), Labcorp
Classification: Uncertain significance. Last evaluated: 2024-10-26. Review status: criteria provided, single submitter. Criteria: Invitae Variant Classification Sherloc (09022015). Collection method: clinical testing. Allele origin: germline.
Comment: This sequence change replaces arginine, which is basic and polar, with glutamine, which is neutral and polar, at codon 465 of the CERKL protein (p.Arg465Gln). This variant is present in population databases (rs553792277, gnomAD 0.05%). This variant has not been reported in the literature in individuals affected with CERKL-related conditions. ClinVar contains an entry for this variant (Variation ID: 969984). Invitae Evidence Modeling of protein sequence and biophysical properties (such as structural, functional, and spatial information, amino acid conservation, physicochemical variation, residue mobility, and thermodynamic stability) has been performed for this missense variant. However, the output from this modeling did not meet the statistical confidence thresholds required to predict the impact of this variant on CERKL protein function. In summary, the available evidence is currently insufficient to determine the role of this variant in disease. Therefore, it has been classified as a Variant of Uncertain Significance.

Blueprint Genetics
Classification: Uncertain significance. Last evaluated: 2022-03-27. Review status: criteria provided, single submitter. Criteria: ACMG Guidelines, 2015. Collection method: clinical testing. Allele origin: germline.

Natera, Inc.
Classification: Uncertain significance for Retinitis Pigmentosa 26. Last evaluated: 2020-03-10. Review status: no assertion criteria provided. Collection method: clinical testing. Allele origin: germline. Not counted in ClinVar's aggregate classification.

NM_201548.5(CERKL):c.1316G>A (p.Arg439Gln)

Gene: CERKL (CERK like autophagy regulator; minus strand). Cytogenetic location: 2q31.3.
Variant type: single nucleotide variant.
Coding change: c.1316G>A on transcript NM_201548.5 (MANE Select); coding-DNA position 1316, G replaced by A.
Protein change: p.Arg439Gln; replaces arginine 439 with glutamine.
Molecular consequence: missense variant. On other transcripts: non-coding transcript variant (2).
Genome position (GRCh38, 1-based): chr2:181,544,749, C>T on the plus strand (G>A on the coding strand, the complement: CERKL is on the minus strand). VCF-style: chr2-181544749-C-T. GRCh37 (hg19) VCF-style: chr2-182409476-C-T.
Other names: c.1394G>A, p.Arg465Gln (NM_001030311.3); c.977G>A, p.Arg326Gln (NM_001030312.3); c.1109G>A, p.Arg370Gln (NM_001030313.3); c.1262G>A, p.Arg421Gln (NM_001160277.2); short protein forms R370Q, R439Q, R465Q, R326Q, R421Q.
Identifiers: ClinVar variation 969984 (VCV000969984.8), dbSNP rs553792277, ClinGen allele CA2010464.